The following is an entry in ClinVar:

NM_000232.5(SGCB):c.32dup (p.Gln12fs)

Genes: SGCB (sarcoglycan beta; minus strand), LOC129992585 (ATAC-STARR-seq lymphoblastoid silent region 15421; plus strand). Cytogenetic location: 4q12.
Variant type: Duplication.
Coding change: c.32dup on transcript NM_000232.5 (MANE Select); coding-DNA position 32, one base duplicated (A; older notation c.32dupA).
Protein change: p.Gln12fs; shifts the reading frame from glutamine 12.
Molecular consequence: frameshift variant.
Genome position (GRCh38, 1-based): chr4:52,038,228, T duplicated on the plus strand (A on the coding strand, the reverse complement: SGCB is on the minus strand). VCF-style (leftmost placement, unchanged base first): chr4-52038227-C-CT. GRCh37 (hg19) VCF-style: chr4-52904393-C-CT.
Other names: short protein forms Q12fs.
Identifiers: ClinVar variation 193065 (VCV000193065.11), dbSNP rs796065319, ClinGen allele CA200293.

ClinVar aggregate classification (germline): Pathogenic. Review status: criteria provided, multiple submitters, no conflicts (2 of 4 stars). 2 submissions from 2 submitters: Pathogenic (2). Last evaluated 2024-01-10.

Conditions:
Autosomal recessive limb-girdle muscular dystrophy type 2E (LGMDR4). Also called: MUSCULAR DYSTROPHY, LIMB-GIRDLE, AUTOSOMAL RECESSIVE 4. Identifiers: Orphanet 119, MedGen C1858593, MONDO:0011423, OMIM 604286. Disease mechanism: Affects gamma-sarcoglycan and also disrupts the integrity of the entire sarcoglycan complex..

Submissions (2):

Labcorp Genetics (formerly Invitae), Labcorp
Classification: Pathogenic for Autosomal recessive limb-girdle muscular dystrophy type 2E. Last evaluated: 2024-01-10. Review status: criteria provided, single submitter. Criteria: Invitae Variant Classification Sherloc (09022015). Collection method: clinical testing. Allele origin: germline.
Comment: This sequence change creates a premature translational stop signal (p.Gln12Alafs*13) in the SGCB gene. It is expected to result in an absent or disrupted protein product. Loss-of-function variants in SGCB are known to be pathogenic (PMID: 15938573, 18285821). This variant is not present in population databases (gnomAD no frequency). This variant has not been reported in the literature in individuals affected with SGCB-related conditions. ClinVar contains an entry for this variant (Variation ID: 193065). For these reasons, this variant has been classified as Pathogenic.

Eurofins Ntd Llc (ga)
Classification: Pathogenic. Last evaluated: 2014-08-25. Review status: criteria provided, single submitter. Criteria: EGL Classification Definitions. Collection method: clinical testing. Allele origin: germline. Observed: 1 variant allele, 1 homozygote.

Literature cited by the submitters: PubMed 15938573 (cited by Labcorp Genetics (formerly Invitae), Labcorp); PubMed 18285821 (cited by Labcorp Genetics (formerly Invitae), Labcorp).